The following is an entry in ClinVar:

NM_001365536.1(SCN9A):c.745A>G (p.Met249Val)

Gene: SCN9A (sodium voltage-gated channel alpha subunit 9; minus strand). Cytogenetic location: 2q24.3.
Variant type: single nucleotide variant.
Coding change: c.745A>G on transcript NM_001365536.1 (MANE Select); coding-DNA position 745, A replaced by G.
Protein change: p.Met249Val; replaces methionine 249 with valine.
Molecular consequence: missense variant.
Genome position (GRCh38, 1-based): chr2:166,303,246, T>C on the plus strand (A>G on the coding strand, the complement: SCN9A is on the minus strand). VCF-style: chr2-166303246-T-C. GRCh37 (hg19) VCF-style: chr2-167159756-T-C.
Other names: c.745A>G, p.Met249Val (NM_002977.4); short protein forms M249V.
Identifiers: ClinVar variation 1382379 (VCV001382379.6), dbSNP rs1553495224, ClinGen allele CA349093016.

ClinVar aggregate classification (germline): Uncertain significance (1 of 4 stars; one submission).

Conditions:
Neuropathy, hereditary sensory and autonomic, type 2A (HSAN2A). Also called: WNK1-Related HSAN2 (HSAN2A); MORVAN DISEASE; NEUROPATHY, CONGENITAL SENSORY; NEUROPATHY, HEREDITARY SENSORY RADICULAR, AUTOSOMAL RECESSIVE; NEUROPATHY, HEREDITARY SENSORY, TYPE IIA; NEUROPATHY, PROGRESSIVE SENSORY, OF CHILDREN. Identifiers: Orphanet 970, MedGen C2752089, MONDO:0024309, OMIM 201300.
Generalized epilepsy with febrile seizures plus, type 7 (GEFSP7). Also called: GEFS+, TYPE 7. Identifiers: Orphanet 36387, MedGen C2751778, MONDO:0013470, OMIM 613863.

gnomAD v4.1: 4 of 1,613,722 alleles (0.00025%); highest among the groups gnomAD compares: Non-Finnish European, 0.00025%; no homozygotes.

Submission:

Labcorp Genetics (formerly Invitae), Labcorp
Classification: Uncertain significance for Neuropathy, hereditary sensory and autonomic, type 2A; Generalized epilepsy with febrile seizures plus, type 7. Last evaluated: 2025-05-27. Review status: criteria provided, single submitter. Criteria: Invitae Variant Classification Sherloc (09022015). Collection method: clinical testing. Allele origin: germline.
Comment: This sequence change replaces methionine, which is neutral and non-polar, with valine, which is neutral and non-polar, at codon 249 of the SCN9A protein (p.Met249Val). This variant is not present in population databases (gnomAD no frequency). This variant has not been reported in the literature in individuals affected with SCN9A-related conditions. ClinVar contains an entry for this variant (Variation ID: 1382379). Invitae Evidence Modeling of protein sequence and biophysical properties (such as structural, functional, and spatial information, amino acid conservation, physicochemical variation, residue mobility, and thermodynamic stability) indicates that this missense variant is not expected to disrupt SCN9A protein function with a negative predictive value of 95%. In summary, the available evidence is currently insufficient to determine the role of this variant in disease. Therefore, it has been classified as a Variant of Uncertain Significance.